The following is an entry in ClinVar:

ClinVar aggregate classification (germline): Uncertain significance (1 of 4 stars; one submission).

Conditions:
Hereditary cancer-predisposing syndrome. Also called: Neoplastic Syndromes, Hereditary; Tumor predisposition; Hereditary neoplastic syndrome; Hereditary Cancer Syndrome. Identifiers: Orphanet 140162, MedGen C0027672, MeSH D009386, MONDO:0015356.

Submission:

Ambry Genetics
Classification: Uncertain significance for Hereditary cancer-predisposing syndrome. Last evaluated: 2024-04-28. Review status: criteria provided, single submitter. Criteria: Ambry Variant Classification Scheme 2023. Collection method: clinical testing. Allele origin: germline.
Comment: The p.D1378V variant (also known as c.4133A>T), located in coding exon 28 of the SMARCA4 gene, results from an A to T substitution at nucleotide position 4133. The aspartic acid at codon 1378 is replaced by valine, an amino acid with highly dissimilar properties. This amino acid position is conserved. In addition, this alteration is predicted to be deleterious by in silico analysis. Based on the available evidence, the clinical significance of this variant remains unclear.

NM_003072.5(SMARCA4):c.4133A>T (p.Asp1378Val)

Gene: SMARCA4 (SWI/SNF related BAF chromatin remodeling complex subunit ATPase 4; plus strand). Cytogenetic location: 19p13.2.
Variant type: single nucleotide variant.
Coding change: c.4133A>T on transcript NM_003072.5 (MANE Select); coding-DNA position 4133, A replaced by T.
Protein change: p.Asp1378Val; replaces aspartic acid 1378 with valine.
Molecular consequence: missense variant. On other transcripts: non-coding transcript variant (1).
Genome position (GRCh38, 1-based): chr19:11,035,095, A>T. VCF-style: chr19-11035095-A-T. GRCh37 (hg19) VCF-style: chr19-11145771-A-T.
Other names: c.4133A>T, p.Asp1378Val (NM_001128844.3, NM_001128849.3, NM_001387283.1); c.4034A>T, p.Asp1345Val (NM_001128845.2, NM_001128846.2, NM_001128847.4 and 3 more transcripts); short protein forms D1378V, D1345V.
Identifiers: ClinVar variation 3320734 (VCV003320734.1).